The following is an entry in ClinVar:

ClinVar aggregate classification (oncogenicity): Uncertain significance (1 of 4 stars; one submission).

Conditions:
Meningioma. Also called: Meningioma, somatic. Identifiers: Orphanet 2495, MedGen C0025286, MONDO:0016642, HP:0002858.

Submission:

Dr. Guy Rouleau's laboratory, McGill University
Classification: Uncertain significance for Meningioma. Last evaluated: 2025-03-30. Review status: criteria provided, single submitter. Criteria: ClinGen/CGC/VICC Guidelines for Oncogenicity, 2022. Collection method: research. Allele origin: somatic. Affected: yes.
Comment: This missense variant, located at position 559 in the TRAF7 gene, results in the substitution of Glycine (G), a neutral and non-polar amino acid, with Arginine (R), a basic amino acid. This somatic variant was identified in a paired tumor-blood sequencing study of meningiomas. It has been reported in meningiomas (PMID: 35299730), but has not been documented in population databases (gnomAD v2.1.1: no frequency). Due to insufficient evidence, the clinical significance of this variant remains unknown

NM_032271.3(TRAF7):c.1675G>C (p.Gly559Arg)

Gene: TRAF7 (TNF receptor associated factor 7; plus strand). Cytogenetic location: 16p13.3.
Variant type: single nucleotide variant.
Coding change: c.1675G>C on transcript NM_032271.3 (MANE Select); coding-DNA position 1675, G replaced by C.
Protein change: p.Gly559Arg; replaces glycine 559 with arginine.
Molecular consequence: missense variant.
Genome position (GRCh38, 1-based): chr16:2,175,882, G>C. VCF-style: chr16-2175882-G-C. GRCh37 (hg19) VCF-style: chr16-2225883-G-C.
Other names: short protein forms G559R.
Identifiers: ClinVar variation 3897753 (VCV003897753.1).
Genomic context (GRCh38, chr16:2,175,882, plus strand): 5'-GATTACTCATAGATCTGGGACATCCGAACCCTTGACTGCATCCACGTCCTGCAGACGTCT[G>C]GTGGCAGCGTCTACTCCATTGCTGTGACAAATCACCACATTGTCTGTGGCACCTACGAGA-3'
Protein context (NP_115647.2, residues 549-569): LDCIHVLQTS[Gly559Arg]GSVYSIAVTN